The following is an entry in ClinVar:

NM_198578.4(LRRK2):c.270A>C (p.Glu90Asp)

Gene: LRRK2 (leucine rich repeat kinase 2; plus strand). Cytogenetic location: 12q12.
Variant type: single nucleotide variant.
Coding change: c.270A>C on transcript NM_198578.4 (MANE Select); coding-DNA position 270, A replaced by C.
Protein change: p.Glu90Asp; replaces glutamic acid 90 with aspartic acid.
Molecular consequence: missense variant.
Genome position (GRCh38, 1-based): chr12:40,232,306, A>C. VCF-style: chr12-40232306-A-C. GRCh37 (hg19) VCF-style: chr12-40626108-A-C.
Other names: short protein forms E90D.
Identifiers: ClinVar variation 1795021 (VCV001795021.2), dbSNP rs1941238776, ClinGen allele CA384401399.
Genomic context (GRCh38, chr12:40,232,306, plus strand): 5'-TGTGAATATATGTCTTTCTTGTTTTCAGGTGGGTTGGTCACTTCTGTGCAAATTAATAGA[A>C]GTCTGTCCAGGTACAATGCAAAGCTTAATGGGACCCCAGGATGTTGGAAATGATTGGGAA-3'
Protein context (NP_940980.4, residues 80-100): VGWSLLCKLI[Glu90Asp]VCPGTMQSLM

ClinVar aggregate classification (germline): Uncertain significance (1 of 4 stars; one submission).

Conditions:
Inborn genetic diseases. Identifiers: MedGen C0950123, MeSH D030342.

gnomAD v4.1: 2 of 1,614,134 alleles (0.00012%); highest among the groups gnomAD compares: Non-Finnish European, 0.00017%; no homozygotes.

Submission:

Ambry Genetics
Classification: Uncertain significance for Inborn genetic diseases. Last evaluated: 2022-10-22. Review status: criteria provided, single submitter. Criteria: Ambry Variant Classification Scheme 2023. Collection method: clinical testing. Allele origin: germline.
Comment: The p.E90D variant (also known as c.270A>C), located in coding exon 3 of the LRRK2 gene, results from an A to C substitution at nucleotide position 270. The glutamic acid at codon 90 is replaced by aspartic acid, an amino acid with highly similar properties. This amino acid position is conserved. In addition, this alteration is predicted to be tolerated by in silico analysis. Since supporting evidence is limited at this time, the clinical significance of this alteration remains unclear.